The following is an entry in ClinVar:

ClinVar aggregate classification (germline): Uncertain significance (1 of 4 stars; one submission).

Submission:

Women's Health and Genetics/Laboratory Corporation of America, LabCorp
Classification: Uncertain significance. Last evaluated: 2025-05-30. Review status: criteria provided, single submitter. Criteria: LabCorp Variant Classification Summary - May 2015. Collection method: clinical testing. Allele origin: germline.
Comment: Variant summary: CUX2 c.2484C>T alters a conserved nucleotide resulting in a synonymous change. Consensus agreement among computation tools predict no significant impact on normal splicing. However, these predictions have yet to be confirmed by functional studies. The frequency data for this variant in gnomAD is considered unreliable, as metrics indicate poor data quality at this position. c.2484C>T has been observed in individual(s) affected with features of Early Infantile Epileptic Encephalopathy, Autosomal Dominant (Internal data). These data do not allow any conclusion about variant significance. To our knowledge, no experimental evidence demonstrating an impact on protein function has been reported. No submitters have cited clinical-significance assessments for this variant to ClinVar. Based on the evidence outlined above, the variant was classified as uncertain significance.

NM_015267.4(CUX2):c.2484C>T (p.Asp828=)

Gene: CUX2 (cut like homeobox 2; plus strand). Cytogenetic location: 12q24.12.
Variant type: single nucleotide variant.
Coding change: c.2484C>T on transcript NM_015267.4 (MANE Select); coding-DNA position 2484, C replaced by T.
Protein change: p.Asp828=; no amino-acid change (aspartic acid 828 retained).
Molecular consequence: synonymous variant.
Genome position (GRCh38, 1-based): chr12:111,320,493, C>T. VCF-style: chr12-111320493-C-T. GRCh37 (hg19) VCF-style: chr12-111758297-C-T.
Other names: c.2298C>T, p.Asp766= (NM_001370598.1).
Identifiers: ClinVar variation 3902088 (VCV003902088.1).